The following is an entry in ClinVar:

ClinVar aggregate classification (germline): Likely benign (1 of 4 stars; one submission).

gnomAD v4.1: 135 of 1,152,560 alleles (0.012%); highest among the groups gnomAD compares: Middle Eastern, 0.18%; no homozygotes.

Submission:

CeGaT Center for Human Genetics Tuebingen
Classification: Likely benign. Last evaluated: 2024-10-01. Review status: criteria provided, single submitter. Criteria: CeGaT Center For Human Genetics Tuebingen Variant Classification Criteria Version 2. Collection method: clinical testing. Allele origin: germline. Affected: yes. Observed: 1 variant allele.
Comment: MTCL1: BP4, BP7

NM_001395333.1(MTCL1):c.339G>A (p.Pro113=)

Genes: GACAT2 (gastric cancer associated transcript 2; minus strand), MTCL1 (microtubule crosslinking factor 1; plus strand). Cytogenetic location: 18p11.22.
Variant type: single nucleotide variant.
Coding change: c.339G>A on transcript NM_001395333.1 (MANE Select); coding-DNA position 339, G replaced by A.
Protein change: p.Pro113=; no amino-acid change (proline 113 retained).
Molecular consequence: synonymous variant.
Genome position (GRCh38, 1-based): chr18:8,705,999, G>A. VCF-style: chr18-8705999-G-A. GRCh37 (hg19) VCF-style: chr18-8705997-G-A.
Other names: c.339G>A, p.Pro113= (NM_001378205.1, NM_001378206.1, NM_001378207.1).
Identifiers: ClinVar variation 3388279 (VCV003388279.14).